The following is an entry in ClinVar:

NM_006445.4(PRPF8):c.3728G>A (p.Arg1243His)

Gene: PRPF8 (pre-mRNA processing factor 8; minus strand). Cytogenetic location: 17p13.3.
Variant type: single nucleotide variant.
Coding change: c.3728G>A on transcript NM_006445.4 (MANE Select); coding-DNA position 3728, G replaced by A.
Protein change: p.Arg1243His; replaces arginine 1243 with histidine.
Molecular consequence: missense variant.
Genome position (GRCh38, 1-based): chr17:1,673,127, C>T on the plus strand (G>A on the coding strand, the complement: PRPF8 is on the minus strand). VCF-style: chr17-1673127-C-T. GRCh37 (hg19) VCF-style: chr17-1576421-C-T.
Other names: short protein forms R1243H.
Identifiers: ClinVar variation 1199648 (VCV001199648.3), dbSNP rs1219818327, ClinGen allele CA397538581.

ClinVar aggregate classification (germline): Uncertain significance (1 of 4 stars; one submission).

Allele frequency attached by ClinVar (database versions not stated): gnomAD exomes below 0.00001.
gnomAD v4.1: 1 of 1,614,206 alleles (0.000062%); highest among the groups gnomAD compares: Non-Finnish European, 0.000085%; no homozygotes.

Submission:

GeneDx
Classification: Uncertain significance. Last evaluated: 2020-02-12. Review status: criteria provided, single submitter. Criteria: GeneDx Variant Classification Process June 2021. Collection method: clinical testing. Allele origin: germline. Affected: yes.
Comment: Not observed at a significant frequency in large population cohorts (Lek et al., 2016); In silico analysis supports that this missense variant has a deleterious effect on protein structure/function; Has not been previously published as pathogenic or benign to our knowledge